The following is an entry in ClinVar:

NM_000302.4(PLOD1):c.128G>A (p.Arg43His)

Gene: PLOD1 (procollagen-lysine,2-oxoglutarate 5-dioxygenase 1; plus strand). Cytogenetic location: 1p36.22.
Variant type: single nucleotide variant.
Coding change: c.128G>A on transcript NM_000302.4 (MANE Select); coding-DNA position 128, G replaced by A.
Protein change: p.Arg43His; replaces arginine 43 with histidine.
Molecular consequence: missense variant.
Genome position (GRCh38, 1-based): chr1:11,948,027, G>A. VCF-style: chr1-11948027-G-A. GRCh37 (hg19) VCF-style: chr1-12008084-G-A.
Other names: c.269G>A, p.Arg90His (NM_001316320.2); short protein forms R90H, R43H.
Identifiers: ClinVar variation 1370972 (VCV001370972.3), dbSNP rs141704997, ClinGen allele CA597796.

ClinVar aggregate classification (germline): Uncertain significance (1 of 4 stars; one submission).

Conditions:
Ehlers-Danlos syndrome, kyphoscoliotic type 1 (EDSKSCL1). Also called: Ehlers-Danlos syndrome, hydroxylysine-deficient; EHLERS-DANLOS SYNDROME, TYPE VIA; PLOD1-Related Kyphoscoliotic Ehlers-Danlos Syndrome; EHLERS-DANLOS SYNDROME, OCULAR-SCOLIOTIC TYPE. Identifiers: Orphanet 1900, MedGen C0268342, MONDO:0016002, OMIM 225400. Disease mechanism: loss of function.

Allele frequency attached by ClinVar (database versions not stated): ExAC 0.00002; gnomAD exomes 0.00002; TOPMed 0.00002; ESP Exome Variant Server 0.00023.

Submission:

Labcorp Genetics (formerly Invitae), Labcorp
Classification: Uncertain significance for Ehlers-Danlos syndrome, kyphoscoliotic type 1. Last evaluated: 2021-10-09. Review status: criteria provided, single submitter. Criteria: Invitae Variant Classification Sherloc (09022015). Collection method: clinical testing. Allele origin: germline.
Comment: This sequence change replaces arginine with histidine at codon 43 of the PLOD1 protein (p.Arg43His). The arginine residue is highly conserved and there is a small physicochemical difference between arginine and histidine. This variant is present in population databases (rs141704997, ExAC 0.006%). This variant has not been reported in the literature in individuals affected with PLOD1-related conditions. Algorithms developed to predict the effect of missense changes on protein structure and function are either unavailable or do not agree on the potential impact of this missense change (SIFT: "Deleterious"; PolyPhen-2: "Benign"; Align-GVGD: "Class C25"). In summary, the available evidence is currently insufficient to determine the role of this variant in disease. Therefore, it has been classified as a Variant of Uncertain Significance.